The following is an entry in ClinVar:

NM_015192.4(PLCB1):c.171A>C (p.Gln57His)

Gene: PLCB1 (phospholipase C beta 1; plus strand). Cytogenetic location: 20p12.3.
Variant type: single nucleotide variant.
Coding change: c.171A>C on transcript NM_015192.4 (MANE Select); coding-DNA position 171, A replaced by C.
Protein change: p.Gln57His; replaces glutamine 57 with histidine.
Molecular consequence: missense variant.
Genome position (GRCh38, 1-based): chr20:8,150,365, A>C. VCF-style: chr20-8150365-A-C. GRCh37 (hg19) VCF-style: chr20-8131012-A-C.
Other names: c.171A>C, p.Gln57His (NM_182734.3); short protein forms Q57H.
Identifiers: ClinVar variation 1400830 (VCV001400830.8), dbSNP rs2123032607, ClinGen allele CA408261851.

ClinVar aggregate classification (germline): Uncertain significance (1 of 4 stars; one submission).

Conditions:
Developmental and epileptic encephalopathy, 12 (DEE12). Identifiers: MedGen C3150988, MONDO:0013389, OMIM 613722.

Submission:

Labcorp Genetics (formerly Invitae), Labcorp
Classification: Uncertain significance for Developmental and epileptic encephalopathy, 12. Last evaluated: 2020-12-28. Review status: criteria provided, single submitter. Criteria: Invitae Variant Classification Sherloc (09022015). Collection method: clinical testing. Allele origin: germline.
Comment: This sequence change replaces glutamine with histidine at codon 57 of the PLCB1 protein (p.Gln57His). The glutamine residue is moderately conserved and there is a small physicochemical difference between glutamine and histidine. This variant is not present in population databases (ExAC no frequency). This variant has not been reported in the literature in individuals with PLCB1-related conditions. Algorithms developed to predict the effect of missense changes on protein structure and function are either unavailable or do not agree on the potential impact of this missense change (SIFT: "Deleterious"; PolyPhen-2: "Benign"; Align-GVGD: "Class C0"). In summary, the available evidence is currently insufficient to determine the role of this variant in disease. Therefore, it has been classified as a Variant of Uncertain Significance.